The following is an entry in ClinVar:

ClinVar aggregate classification (germline): Benign (0 of 4 stars; one submission).

Conditions:
YTHDC2-related disorder. Also called: YTHDC2-related condition.

Allele frequency attached by ClinVar (database versions not stated): 1000 Genomes Project 0.00519; 1000 Genomes Project 30x 0.00547; gnomAD 0.01092; TOPMed 0.01144; ExAC 0.01247; ESP Exome Variant Server 0.01285; gnomAD exomes 0.01449.
gnomAD v4.1: 22,932 of 1,613,310 alleles (1.4%); highest among the groups gnomAD compares: Middle Eastern, 2.1%; 231 homozygotes.

Submission:

PreventionGenetics, part of Exact Sciences
Classification: Benign for YTHDC2-related condition. Last evaluated: 2019-02-26. Review status: no assertion criteria provided. Collection method: clinical testing. Allele origin: germline.
Comment: This variant is classified as benign based on ACMG/AMP sequence variant interpretation guidelines (Richards et al. 2015 PMID: 25741868, with internal and published modifications).

NM_022828.5(YTHDC2):c.972T>C (p.Phe324=)

Gene: YTHDC2 (YTH N6-methyladenosine RNA binding protein C2; plus strand). Cytogenetic location: 5q22.2.
Variant type: single nucleotide variant.
Coding change: c.972T>C on transcript NM_022828.5 (MANE Select); coding-DNA position 972, T replaced by C.
Protein change: p.Phe324=; no amino-acid change (phenylalanine 324 retained).
Molecular consequence: synonymous variant.
Genome position (GRCh38, 1-based): chr5:113,535,668, T>C. VCF-style: chr5-113535668-T-C. GRCh37 (hg19) VCF-style: chr5-112871365-T-C.
Other names: c.486T>C, p.Phe162= (NM_001345975.2); c.72T>C, p.Phe24= (NM_001345976.2).
Identifiers: ClinVar variation 3041183 (VCV003041183.2), dbSNP rs145439600, ClinGen allele CA3371650.